The following is an entry in ClinVar:

NM_000038.6(APC):c.7731A>G (p.Ser2577=)

Gene: APC (APC regulator of Wnt signaling pathway; plus strand). Cytogenetic location: 5q22.2.
Variant type: single nucleotide variant.
Coding change: c.7731A>G on transcript NM_000038.6 (MANE Select); coding-DNA position 7731, A replaced by G.
Protein change: p.Ser2577=; no amino-acid change (serine 2577 retained).
Molecular consequence: synonymous variant.
Genome position (GRCh38, 1-based): chr5:112,843,325, A>G. VCF-style: chr5-112843325-A-G. GRCh37 (hg19) VCF-style: chr5-112179022-A-G.
Other names: c.7761A>G, p.Ser2587= (NM_001354897.2); c.7656A>G, p.Ser2552= (NM_001354898.2); c.7647A>G, p.Ser2549= (NM_001354899.2); c.7608A>G, p.Ser2536= (NM_001354900.2); c.7554A>G, p.Ser2518= (NM_001354901.2); c.7458A>G, p.Ser2486= (NM_001354902.2); c.7428A>G, p.Ser2476= (NM_001354903.2); c.7353A>G, p.Ser2451= (NM_001354904.2); and 5 more.
Identifiers: ClinVar variation 232288 (VCV000232288.24), dbSNP rs537187449, ClinGen allele CA049028.
Genomic context (GRCh38, chr5:112,843,325, plus strand): 5'-CCTTCCTCGAGTAAGCACTTGGAGAAGAACTGGAAGTTCATCTTCAATTCTTTCTGCTTC[A>G]TCAGAATCCAGTGAAAAAGCAAAAAGTGAGGATGAAAAACATGTGAACTCTATTTCAGGA-3'
Protein context (NP_000029.2, residues 2567-2587): TGSSSSILSA[Ser2577=]SESSEKAKSE

ClinVar aggregate classification (germline): Benign/Likely benign. Review status: criteria provided, multiple submitters, no conflicts (2 of 4 stars). 10 submissions from 10 submitters: Benign (6); Likely benign (4). Last evaluated 2026-02-02.

Conditions:
Hereditary cancer-predisposing syndrome. Also called: Neoplastic Syndromes, Hereditary; Tumor predisposition; Hereditary Cancer Syndrome; Hereditary neoplastic syndrome. Identifiers: Orphanet 140162, MedGen C0027672, MeSH D009386, MONDO:0015356.
Familial adenomatous polyposis 1 (FAP1). Also called: FAMILIAL ADENOMATOUS POLYPOSIS 1, ATTENUATED; POLYPOSIS, ADENOMATOUS INTESTINAL. Identifiers: MedGen C2713442, MONDO:0021056, OMIM 175100. Disease mechanism: loss of function.
Classic or attenuated familial adenomatous polyposis. Identifiers: MedGen CN372698, MONDO:0021057.

Allele frequency attached by ClinVar (database versions not stated): gnomAD 0.00002 and 0.00003; gnomAD exomes 0.00006 and 0.00013; TOPMed 0.00008; ExAC 0.00011.
gnomAD v4.1: 42 of 1,613,816 alleles (0.0026%); highest among the groups gnomAD compares: Admixed American, 0.067%; no homozygotes.

Submissions (10):

Labcorp Genetics (formerly Invitae), Labcorp
Classification: Benign for Familial adenomatous polyposis 1. Last evaluated: 2026-02-02. Review status: criteria provided, single submitter. Criteria: Invitae Variant Classification Sherloc (09022015). Collection method: clinical testing. Allele origin: germline.

Quest Diagnostics Nichols Institute San Juan Capistrano
Classification: Benign. Last evaluated: 2025-02-19. Review status: criteria provided, single submitter. Criteria: Quest Diagnostics criteria. Collection method: clinical testing. Allele origin: unknown.

Myriad Genetics, Inc.
Classification: Benign for Familial adenomatous polyposis 1. Last evaluated: 2024-04-10. Review status: criteria provided, single submitter. Criteria: Myriad Autosomal Dominant, Autosomal Recessive and X-Linked Classification Criteria (2023). Collection method: clinical testing. Allele origin: unknown.
Comment: This variant is considered benign. This variant is a silent/synonymous amino acid change and it is not expected to impact splicing.

All of Us Research Program, National Institutes of Health
Classification: Likely benign for Classic or attenuated familial adenomatous polyposis. Last evaluated: 2023-12-01. Review status: criteria provided, single submitter. Criteria: ACMG Guidelines, 2015. Collection method: clinical testing. Allele origin: germline. Inheritance: Autosomal dominant inheritance. Observed: 10 variant alleles, 10 heterozygotes.
Comment: This study involves interpretation of variants in research participants for the purpose of population health screening. Participant phenotype was not available at the time of variant classification. Additional details can be found in publication PMID: 35346344, PMCID: PMC8962531

Women's Health and Genetics/Laboratory Corporation of America, LabCorp
Classification: Benign. Last evaluated: 2023-11-22. Review status: criteria provided, single submitter. Criteria: LabCorp Variant Classification Summary - May 2015. Collection method: clinical testing. Allele origin: germline.

Sema4
Classification: Benign for Hereditary cancer-predisposing syndrome. Last evaluated: 2021-08-03. Review status: criteria provided, single submitter. Criteria: Sema4 Curation Guidelines. Collection method: curation. Allele origin: germline.

PreventionGenetics, part of Exact Sciences
Classification: Likely benign. Last evaluated: 2017-06-12. Review status: criteria provided, single submitter. Criteria: ACMG Guidelines, 2015. Collection method: clinical testing. Allele origin: germline.

Color Diagnostics, LLC DBA Color Health
Classification: Likely benign for Hereditary cancer-predisposing syndrome. Last evaluated: 2016-08-06. Review status: criteria provided, single submitter. Criteria: ACMG Guidelines, 2015. Collection method: clinical testing. Allele origin: germline.

Ambry Genetics
Classification: Likely benign for Hereditary cancer-predisposing syndrome. Last evaluated: 2016-06-15. Review status: criteria provided, single submitter. Criteria: Ambry Variant Classification Scheme 2023. Collection method: clinical testing. Allele origin: germline.

GeneDx
Classification: Benign. Last evaluated: 2015-05-28. Review status: criteria provided, single submitter. Criteria: GeneDx Variant Classification (06012015). Collection method: clinical testing. Allele origin: germline. Affected: yes.
Comment: This variant is considered likely benign or benign based on one or more of the following criteria: it is a conservative change, it occurs at a poorly conserved position in the protein, it is predicted to be benign by multiple in silico algorithms, and/or has population frequency not consistent with disease.